The following is an entry in ClinVar:

ClinVar aggregate classification (germline): Pathogenic. Review status: reviewed by expert panel (3 of 4 stars). 2 submissions from 2 submitters: Pathogenic (1). 1 of the submissions does not count toward it. Last evaluated 2016-10-18.

Conditions:
Breast-ovarian cancer, familial, susceptibility to, 1 (BROVCA1). Also called: BRCA1 Hereditary Breast and Ovarian Cancer; OVARIAN CANCER, SUSCEPTIBILITY TO. Identifiers: Orphanet 145, MedGen C2676676, MONDO:0011450, OMIM 604370. Disease mechanism: loss of function.

Submissions (2):

Evidence-based Network for the Interpretation of Germline Mutant Alleles (ENIGMA)
Classification: Pathogenic for Breast-ovarian cancer, familial, susceptibility to, 1. Last evaluated: 2016-10-18. Review status: reviewed by expert panel. Criteria: ENIGMA BRCA1/2 Classification Criteria (2015). Collection method: curation. Allele origin: germline.
Comment: Variant allele predicted to encode a truncated non-functional protein.

Consortium of Investigators of Modifiers of BRCA1/2 (CIMBA), c/o University of Cambridge
Classification: Pathogenic for Breast-ovarian cancer, familial, susceptibility to, 1. Last evaluated: 2015-10-02. Review status: criteria provided, single submitter. Criteria: CIMBA Mutation Classification guidelines May 2016. Collection method: clinical testing. Allele origin: germline. Not counted in ClinVar's aggregate classification.

NM_007294.4(BRCA1):c.3731_3738del (p.His1244fs)

Genes: BRCA1 (BRCA1 DNA repair associated; minus strand), LOC126862571 (BRD4-independent group 4 enhancer GRCh37_chr17:41243136-41244335; plus strand). Cytogenetic location: 17q21.31.
Variant type: Deletion.
Coding change: c.3731_3738del on transcript NM_007294.4 (MANE Select); coding-DNA positions 3731 to 3738, 8 bases deleted (ATAGCACC; older notation c.3731_3738delATAGCACC).
Protein change: p.His1244fs; shifts the reading frame from histidine 1244.
Molecular consequence: frameshift variant. On other transcripts: intron variant (135).
Genome position (GRCh38, 1-based): chr17:43,091,793-43,091,800, GGTGCTAT deleted on the plus strand (ATAGCACC on the coding strand, the reverse complement: BRCA1 is on the minus strand); deleting any 8 consecutive bases within chr17:43,091,793-43,091,801 gives the same sequence; the c. name uses the placement nearest the transcript's 3' end. VCF-style (leftmost placement, unchanged base first): chr17-43091792-CGGTGCTAT-C. GRCh37 (hg19) VCF-style: chr17-41243809-CGGTGCTAT-C.
Other names: 3850_3857del8; c.3518_3525del, p.His1173fs (NM_001407571.1, NM_001407853.1, NM_001407894.1 and 9 more transcripts); c.3731_3738del, p.His1244fs (NM_001407581.1, NM_001407582.1, NM_001407583.1 and 30 more transcripts); c.3728_3735del, p.His1243fs (NM_001407587.1, NM_001407590.1, NM_001407591.1 and 22 more transcripts); c.3722_3729del, p.His1241fs (NM_001407646.1, NM_001407647.1); c.3608_3615del, p.His1203fs (NM_001407648.1, NM_001407664.1, NM_001407665.1 and 19 more transcripts); c.3605_3612del, p.His1202fs (NM_001407649.1, NM_001407670.1, NM_001407671.1 and 11 more transcripts); c.3653_3660del, p.His1218fs (NM_001407653.1, NM_001407654.1, NM_001407655.1 and 4 more transcripts); and 43 more; short protein forms H1197fs, H1244fs, H1203fs, H1217fs, H1218fs, H1243fs, H1116fs, H1155fs.
Identifiers: ClinVar variation 266401 (VCV000266401.7), dbSNP rs886040161, ClinGen allele CA10589728.